The following is an entry in ClinVar:

NM_020366.4(RPGRIP1):c.964CTC[1] (p.Leu323del)

Gene: RPGRIP1 (RPGR interacting protein 1; plus strand). Cytogenetic location: 14q11.2.
Variant type: Microsatellite.
Coding change: c.964CTC[1] on transcript NM_020366.4 (MANE Select); one copy of the 3-base unit CTC starting at c.964; the reference has two copies in a row; one copy, 3 bases deleted.
Protein change: p.Leu323del; deletes leucine 323.
Molecular consequence: inframe deletion.
Genome position (GRCh38, 1-based): chr14:21,311,860-21,311,862, CTC deleted; deleting any 3 consecutive bases within chr14:21,311,856-21,311,862 gives the same sequence; the position shown is the placement nearest the transcript's 3' end. VCF-style (leftmost placement, unchanged base first): chr14-21311855-CCCT-C. GRCh37 (hg19) VCF-style: chr14-21780014-CCCT-C.
Other names: short protein forms L323del.
Identifiers: ClinVar variation 1968897 (VCV001968897.6), dbSNP rs758992207, ClinGen allele CA7088838.

ClinVar aggregate classification (germline): Uncertain significance. Review status: criteria provided, multiple submitters, no conflicts (2 of 4 stars). 2 submissions from 2 submitters: Uncertain significance (2). Last evaluated 2022-10-24.

Conditions:
Cone-rod dystrophy 13 (CORD13). Identifiers: Orphanet 1872, MedGen C2750720, MONDO:0011987, OMIM 608194.
Leber congenital amaurosis 6 (LCA6). Identifiers: Orphanet 65, MedGen C1854260, MONDO:0013446, OMIM 613826.

Submissions (2):

Labcorp Genetics (formerly Invitae), Labcorp
Classification: Uncertain significance for Leber congenital amaurosis 6; Cone-rod dystrophy 13. Last evaluated: 2022-10-24. Review status: criteria provided, single submitter. Criteria: Invitae Variant Classification Sherloc (09022015). Collection method: clinical testing. Allele origin: germline.
Comment: In summary, the available evidence is currently insufficient to determine the role of this variant in disease. Therefore, it has been classified as a Variant of Uncertain Significance. Experimental studies and prediction algorithms are not available or were not evaluated, and the functional significance of this variant is currently unknown. This variant has not been reported in the literature in individuals affected with RPGRIP1-related conditions. This variant is present in population databases (rs758992207, gnomAD 0.003%). This variant, c.967_969del, results in the deletion of 1 amino acid(s) of the RPGRIP1 protein (p.Leu323del), but otherwise preserves the integrity of the reading frame.

Blueprint Genetics
Classification: Uncertain significance. Last evaluated: 2022-04-06. Review status: criteria provided, single submitter. Criteria: ACMG Guidelines, 2015. Collection method: clinical testing. Allele origin: germline.